The following is an entry in ClinVar:

NM_001348716.2(KDM6B):c.1360G>A (p.Ala454Thr)

Gene: KDM6B (lysine demethylase 6B; plus strand). Cytogenetic location: 17p13.1.
Variant type: single nucleotide variant.
Coding change: c.1360G>A on transcript NM_001348716.2 (MANE Select); coding-DNA position 1360, G replaced by A.
Protein change: p.Ala454Thr; replaces alanine 454 with threonine.
Molecular consequence: missense variant.
Genome position (GRCh38, 1-based): chr17:7,847,648, G>A. VCF-style: chr17-7847648-G-A. GRCh37 (hg19) VCF-style: chr17-7750966-G-A.
Other names: c.1360G>A, p.Ala454Thr (NM_001080424.2); short protein forms A454T.
Identifiers: ClinVar variation 2524129 (VCV002524129.18), dbSNP rs766414287, ClinGen allele CA8360624.

ClinVar aggregate classification (germline): Conflicting classifications of pathogenicity. Review status: criteria provided, conflicting classifications (1 of 4 stars). 3 submissions from 3 submitters: Uncertain significance (1); Likely benign (1). 1 of the submissions does not count toward it. Last evaluated 2025-05-16.

Conditions:
KDM6B-related disorder. Also called: KDM6B-related condition.
Inborn genetic diseases. Identifiers: MedGen C0950123, MeSH D030342.

Allele frequency attached by ClinVar (database versions not stated): TOPMed 0.00001; gnomAD 0.00003.
gnomAD v4.1: 27 of 1,609,034 alleles (0.0017%); highest among the groups gnomAD compares: Admixed American, 0.0034%; no homozygotes.

Submissions (3):

Ambry Genetics
Classification: Uncertain significance for Inborn genetic diseases. Last evaluated: 2025-05-16. Review status: criteria provided, single submitter. Criteria: Ambry Variant Classification Scheme 2023. Collection method: clinical testing. Allele origin: germline.

CeGaT Center for Human Genetics Tuebingen
Classification: Likely benign. Last evaluated: 2024-08-01. Review status: criteria provided, single submitter. Criteria: CeGaT Center For Human Genetics Tuebingen Variant Classification Criteria Version 2. Collection method: clinical testing. Allele origin: germline. Affected: yes. Observed: 1 variant allele.
Comment: KDM6B: BP4

PreventionGenetics, part of Exact Sciences
Classification: Uncertain significance for KDM6B-related condition. Last evaluated: 2024-03-20. Review status: no assertion criteria provided. Collection method: clinical testing. Allele origin: germline. Not counted in ClinVar's aggregate classification.
Comment: The KDM6B c.1360G>A variant is predicted to result in the amino acid substitution p.Ala454Thr. To our knowledge, this variant has not been reported in the literature. This variant is reported in 0.0056% of alleles in individuals of East Asian descent in gnomAD. At this time, the clinical significance of this variant is uncertain due to the absence of conclusive functional and genetic evidence.